The following is an entry in ClinVar:

ClinVar aggregate classification (germline): Pathogenic (1 of 4 stars; one submission).

gnomAD v4.1: 1 of 1,611,726 alleles (0.000062%); highest among the groups gnomAD compares: South Asian, 0.0011%; no homozygotes.

Submission:

Labcorp Genetics (formerly Invitae), Labcorp
Classification: Pathogenic. Last evaluated: 2023-10-30. Review status: criteria provided, single submitter. Criteria: Invitae Variant Classification Sherloc (09022015). Collection method: clinical testing. Allele origin: germline.
Comment: This sequence change creates a premature translational stop signal (p.Tyr74*) in the TTPA gene. It is expected to result in an absent or disrupted protein product. Loss-of-function variants in TTPA are known to be pathogenic (PMID: 9463307, 26068213). This variant is not present in population databases (gnomAD no frequency). This variant has not been reported in the literature in individuals affected with TTPA-related conditions. For these reasons, this variant has been classified as Pathogenic.

Literature cited by the submitters: PubMed 9463307; PubMed 26068213.

NM_000370.3(TTPA):c.222T>A (p.Tyr74Ter)

Gene: TTPA (alpha tocopherol transfer protein; minus strand). Cytogenetic location: 8q12.3.
Variant type: single nucleotide variant.
Coding change: c.222T>A on transcript NM_000370.3 (MANE Select); coding-DNA position 222, T replaced by A.
Protein change: p.Tyr74Ter; replaces tyrosine 74 with a stop codon.
Molecular consequence: nonsense. On other transcripts: non-coding transcript variant (2), intron variant (2).
Genome position (GRCh38, 1-based): chr8:63,073,071, A>T on the plus strand (T>A on the coding strand, the complement: TTPA is on the minus strand). VCF-style: chr8-63073071-A-T. GRCh37 (hg19) VCF-style: chr8-63985630-A-T.
Other names: c.222T>A, p.Tyr74Ter (NM_001413415.1, NM_001413416.1, NM_001413418.1); c.205-11646T>A (NM_001413417.1); c.205-8755T>A (NM_001413414.1); short protein forms Y74*.
Identifiers: ClinVar variation 2772927 (VCV002772927.3), dbSNP rs752463700, ClinGen allele CA371333938.